The following is an entry in ClinVar:

NM_000059.4(BRCA2):c.8023A>C (p.Ile2675Leu)

Gene: BRCA2 (BRCA2 DNA repair associated; plus strand). Cytogenetic location: 13q13.1.
Variant type: single nucleotide variant.
Coding change: c.8023A>C on transcript NM_000059.4 (MANE Select); coding-DNA position 8023, A replaced by C.
Protein change: p.Ile2675Leu; replaces isoleucine 2675 with leucine.
Molecular consequence: missense variant.
Genome position (GRCh38, 1-based): chr13:32,363,225, A>C. VCF-style: chr13-32363225-A-C. GRCh37 (hg19) VCF-style: chr13-32937362-A-C.
Other names: short protein forms I2675L.
Identifiers: ClinVar variation 1355201 (VCV001355201.8), dbSNP rs397507954, ClinGen allele CA387748866.

ClinVar aggregate classification (germline): Uncertain significance (1 of 4 stars; one submission).

Conditions:
Hereditary breast ovarian cancer syndrome. Also called: BRCA1- and BRCA2-Associated Hereditary Breast and Ovarian Cancer; Hereditary breast and ovarian cancer; Hereditary breast and ovarian cancer syndrome; Hereditary breast and ovarian cancer syndrome (HBOC); Breast and ovarian cancer; Hereditary breast and/or ovarian cancer syndrome. Identifiers: Orphanet 145, MedGen C0677776, MeSH D061325, MONDO:0003582. Disease mechanism: loss of function.

gnomAD v4.1: 1 of 1,614,050 alleles (0.000062%); highest among the groups gnomAD compares: Non-Finnish European, 0.000085%; no homozygotes.

Submission:

Labcorp Genetics (formerly Invitae), Labcorp
Classification: Uncertain significance for Hereditary breast ovarian cancer syndrome. Last evaluated: 2022-10-13. Review status: criteria provided, single submitter. Criteria: Invitae Variant Classification Sherloc (09022015). Collection method: clinical testing. Allele origin: germline.
Comment: In summary, the available evidence is currently insufficient to determine the role of this variant in disease. Therefore, it has been classified as a Variant of Uncertain Significance. Advanced modeling of protein sequence and biophysical properties (such as structural, functional, and spatial information, amino acid conservation, physicochemical variation, residue mobility, and thermodynamic stability) performed at Invitae indicates that this missense variant is not expected to disrupt BRCA2 protein function. ClinVar contains an entry for this variant (Variation ID: 1355201). This variant has not been reported in the literature in individuals affected with BRCA2-related conditions. This variant is not present in population databases (gnomAD no frequency). This sequence change replaces isoleucine, which is neutral and non-polar, with leucine, which is neutral and non-polar, at codon 2675 of the BRCA2 protein (p.Ile2675Leu).